The following is an entry in ClinVar:

ClinVar aggregate classification (germline): Uncertain significance. Review status: criteria provided, multiple submitters, no conflicts (2 of 4 stars). 2 submissions from 2 submitters: Uncertain significance (2). Last evaluated 2025-10-07.

Conditions:
Kartagener syndrome (CILD1). Also called: Dextrocardia bronchiectasis and sinusitis; SIEWERT SYNDROME; CILIARY DYSKINESIA, PRIMARY, 1; CILIARY DYSKINESIA, PRIMARY, 1, WITH OR WITHOUT SITUS INVERSUS; IMMOTILE CILIA SYNDROME; POLYNESIAN BRONCHIECTASIS. Identifiers: Orphanet 244, MedGen C4551906, MONDO:0009484, OMIM 244400.

gnomAD v4.1: 3 of 1,613,950 alleles (0.00019%); highest among the groups gnomAD compares: East Asian, 0.0067%; no homozygotes.

Submissions (2):

Myriad Genetics, Inc.
Classification: Uncertain significance for Kartagener syndrome. Last evaluated: 2025-10-07. Review status: criteria provided, single submitter. Criteria: Myriad Autosomal Dominant, Autosomal Recessive and X-Linked Classification Criteria (2023). Collection method: clinical testing. Allele origin: unknown.
Comment: NM_012144.2(DNAI1):c.1562T>G(I521S) is a missense variant classified as a variant of uncertain significance in the context of primary ciliary dyskinesia, DNAI1-related. I521S has been observed in a case with relevant disease (PMID: 28801648). Relevant functional assessments of this variant are not available in the literature. I521S has been observed in referenced population frequency databases. In summary, there is insufficient evidence to classify NM_012144.2(DNAI1):c.1562T>G(I521S) as pathogenic or benign. Please note: this variant was assessed in the context of healthy population screening.

Women's Health and Genetics/Laboratory Corporation of America, LabCorp
Classification: Uncertain significance. Last evaluated: 2024-11-08. Review status: criteria provided, single submitter. Criteria: LabCorp Variant Classification Summary - May 2015. Collection method: clinical testing. Allele origin: germline.
Comment: Variant summary: DNAI1 c.1562T>G (p.Ile521Ser) results in a non-conservative amino acid change located in the YVTN repeat-like/Quinoprotein amine dehydrogenase domain (IPR015943) of the encoded protein sequence. Five of five in-silico tools predict a damaging effect of the variant on protein function. The variant allele was found at a frequency of 8e-06 in 251490 control chromosomes. c.1562T>G has been reported in the literature in compound heterozgyous individuals affected with Kartagener syndrome (Guo_2017, Hu_2018). These data indicate that the variant may be associated with disease. To our knowledge, no experimental evidence demonstrating an impact on protein function has been reported. The following publications have been ascertained in the context of this evaluation (PMID: 28801648, 29095814). No submitters have cited clinical-significance assessments for this variant to ClinVar. Based on the evidence outlined above, the variant was classified as VUS-possibly pathogenic.

Literature cited by the submitters: PubMed 28801648 (cited by Myriad Genetics, Inc. and Women's Health and Genetics/Laboratory Corporation of America, LabCorp); PubMed 29095814 (cited by Women's Health and Genetics/Laboratory Corporation of America, LabCorp).

NM_012144.4(DNAI1):c.1562T>G (p.Ile521Ser)

Gene: DNAI1 (dynein axonemal intermediate chain 1; plus strand). Cytogenetic location: 9p13.3.
Variant type: single nucleotide variant.
Coding change: c.1562T>G on transcript NM_012144.4 (MANE Select); coding-DNA position 1562, T replaced by G.
Protein change: p.Ile521Ser; replaces isoleucine 521 with serine.
Molecular consequence: missense variant.
Genome position (GRCh38, 1-based): chr9:34,513,184, T>G. VCF-style: chr9-34513184-T-G. GRCh37 (hg19) VCF-style: chr9-34513182-T-G.
Other names: c.1574T>G, p.Ile525Ser (NM_001281428.2); short protein forms I521S, I525S.
Identifiers: ClinVar variation 3629748 (VCV003629748.2).